The following is an entry in ClinVar:

NM_001080517.3(SETD5):c.520_521del (p.Lys174fs)

Gene: SETD5 (SET domain containing 5; plus strand). Cytogenetic location: 3p25.3.
Variant type: Deletion.
Coding change: c.520_521del on transcript NM_001080517.3 (MANE Select); coding-DNA positions 520 to 521, 2 bases deleted (AA; older notation c.520_521delAA).
Protein change: p.Lys174fs; shifts the reading frame from lysine 174.
Molecular consequence: frameshift variant.
Genome position (GRCh38, 1-based): chr3:9,435,859-9,435,860, AA deleted; deleting any 2 consecutive bases within chr3:9,435,856-9,435,860 gives the same sequence; the c. name uses the placement nearest the transcript's 3' end. VCF-style (leftmost placement, unchanged base first): chr3-9435855-GAA-G. GRCh37 (hg19) VCF-style: chr3-9477539-GAA-G.
Other names: c.187_188del, p.Lys63fs (NM_001292043.2, NM_001349451.2); c.577_578del, p.Lys193fs (NM_001437633.1, NM_001437635.1); c.520_521del, p.Lys174fs (NM_001437643.1, NM_001437701.1); short protein forms K174fs, K193fs, K63fs.
Identifiers: ClinVar variation 4813978 (VCV004813978.1).
Genomic context (GRCh38, chr3:9,435,855, plus strand): 5'-AACACAGCACACACCTACAAGCATCACCTTAACTGTTAGAAGAACCAAACCCAAGAAGCG[GAA>G]AAAGAGTCCAGAAAAGGGTCGTGCAGCACCAAAGACGAAGAAAATCAAGGTATGCAGGGT-3'

ClinVar aggregate classification (germline): Pathogenic (1 of 4 stars; one submission).

Conditions:
Intellectual disability-facial dysmorphism syndrome due to SETD5 haploinsufficiency (MRD23). Also called: Intellectual developmental disorder, autosomal dominant 23. Identifiers: Orphanet 404440, MedGen C3810406, MONDO:0014336, OMIM 615761.

Submission:

3billion
Classification: Pathogenic for Intellectual disability-facial dysmorphism syndrome due to SETD5 haploinsufficiency. Last evaluated: 2026-03-21. Review status: criteria provided, single submitter. Criteria: ACMG Guidelines, 2015. Collection method: clinical testing. Allele origin: de novo. Inheritance: Autosomal dominant inheritance. Affected: yes.
Comment: The variant is not observed in the gnomAD v3.1.2 dataset. The variant is predicted to result in a loss or disruption of normal protein function through nonsense-mediated decay (NMD) or protein truncation. Multiple pathogenic variants are reported downstream of the variant. The variant has been confirmed to be de novo in maternity and paternity confirmed samples. Therefore, the variant was classified as pathogenic.